The following is an entry in ClinVar:

ClinVar aggregate classification (germline): Uncertain significance. Review status: criteria provided, multiple submitters, no conflicts (2 of 4 stars). 3 submissions from 3 submitters: Uncertain significance (3). Last evaluated 2024-01-01.

Conditions:
Hereditary cancer-predisposing syndrome. Also called: Neoplastic Syndromes, Hereditary; Hereditary Cancer Syndrome; Hereditary neoplastic syndrome; Tumor predisposition. Identifiers: Orphanet 140162, MedGen C0027672, MeSH D009386, MONDO:0015356.
Familial adenomatous polyposis 1 (FAP1). Also called: POLYPOSIS, ADENOMATOUS INTESTINAL; FAMILIAL ADENOMATOUS POLYPOSIS 1, ATTENUATED. Identifiers: MedGen C2713442, MONDO:0021056, OMIM 175100. Disease mechanism: loss of function.

gnomAD v4.1: 2 of 1,614,144 alleles (0.00012%); highest among the groups gnomAD compares: African/African-American, 0.0027%; no homozygotes.

Submissions (3):

Ambry Genetics
Classification: Uncertain significance for Hereditary cancer-predisposing syndrome. Last evaluated: 2024-01-01. Review status: criteria provided, single submitter. Criteria: Ambry Variant Classification Scheme 2023. Collection method: clinical testing. Allele origin: germline.
Comment: The p.R1589S variant (also known as c.4765C>A), located in coding exon 15 of the APC gene, results from a C to A substitution at nucleotide position 4765. The arginine at codon 1589 is replaced by serine, an amino acid with dissimilar properties. This amino acid position is conserved. In addition, in silico predictors for this gene do not accurately predict pathogenicity. Since supporting evidence is limited at this time, the clinical significance of this alteration remains unclear.

Labcorp Genetics (formerly Invitae), Labcorp
Classification: Uncertain significance for Familial adenomatous polyposis 1. Last evaluated: 2023-12-18. Review status: criteria provided, single submitter. Criteria: Invitae Variant Classification Sherloc (09022015). Collection method: clinical testing. Allele origin: germline.
Comment: This sequence change replaces arginine, which is basic and polar, with serine, which is neutral and polar, at codon 1589 of the APC protein (p.Arg1589Ser). This variant is not present in population databases (gnomAD no frequency). This variant has not been reported in the literature in individuals affected with APC-related conditions. ClinVar contains an entry for this variant (Variation ID: 933161). Advanced modeling of protein sequence and biophysical properties (such as structural, functional, and spatial information, amino acid conservation, physicochemical variation, residue mobility, and thermodynamic stability) performed at Invitae indicates that this missense variant is not expected to disrupt APC protein function with a negative predictive value of 95%. In summary, the available evidence is currently insufficient to determine the role of this variant in disease. Therefore, it has been classified as a Variant of Uncertain Significance.

Women's Health and Genetics/Laboratory Corporation of America, LabCorp
Classification: Uncertain significance. Last evaluated: 2020-06-29. Review status: criteria provided, single submitter. Criteria: LabCorp Variant Classification Summary - May 2015. Collection method: clinical testing. Allele origin: germline.
Comment: Variant summary: APC c.4765C>A (p.Arg1589Ser) results in a non-conservative amino acid change in the encoded protein sequence. Four of five in-silico tools predict a damaging effect of the variant on protein function. The variant was absent in 251116 control chromosomes. The available data on variant occurrences in the general population are insufficient to allow any conclusion about variant significance. To our knowledge, no occurrence of c.4765C>A in individuals affected with Familial Adenomatous Polyposis and no experimental evidence demonstrating its impact on protein function have been reported. No clinical diagnostic laboratories have submitted clinical-significance assessments for this variant to ClinVar after 2014. Based on the evidence outlined above, the variant was classified as uncertain significance.

NM_000038.6(APC):c.4765C>A (p.Arg1589Ser)

Gene: APC (APC regulator of Wnt signaling pathway; plus strand). Cytogenetic location: 5q22.2.
Variant type: single nucleotide variant.
Coding change: c.4765C>A on transcript NM_000038.6 (MANE Select); coding-DNA position 4765, C replaced by A.
Protein change: p.Arg1589Ser; replaces arginine 1589 with serine.
Molecular consequence: missense variant.
Genome position (GRCh38, 1-based): chr5:112,840,359, C>A. VCF-style: chr5-112840359-C-A. GRCh37 (hg19) VCF-style: chr5-112176056-C-A.
Other names: c.4765C>A, p.Arg1589Ser (NM_001127510.3, NM_001354895.2); c.4711C>A, p.Arg1571Ser (NM_001127511.3); c.4819C>A, p.Arg1607Ser (NM_001354896.2); c.4795C>A, p.Arg1599Ser (NM_001354897.2); c.4690C>A, p.Arg1564Ser (NM_001354898.2); c.4681C>A, p.Arg1561Ser (NM_001354899.2); c.4642C>A, p.Arg1548Ser (NM_001354900.2); c.4588C>A, p.Arg1530Ser (NM_001354901.2); and 5 more; short protein forms R1564S, R1429S, R1488S, R1498S, R1530S, R1548S, R1589S, R1599S.
Identifiers: ClinVar variation 933161 (VCV000933161.10), dbSNP rs72541813, ClinGen allele CA16031778.